The following is an entry in ClinVar:

NM_001466.4(FZD2):c.1110G>A (p.Gln370=)

Gene: FZD2 (frizzled class receptor 2; plus strand). Cytogenetic location: 17q21.31.
Variant type: single nucleotide variant.
Coding change: c.1110G>A on transcript NM_001466.4 (MANE Select); coding-DNA position 1110, G replaced by A.
Protein change: p.Gln370=; no amino-acid change (glutamine 370 retained).
Molecular consequence: synonymous variant.
Genome position (GRCh38, 1-based): chr17:44,558,798, G>A. VCF-style: chr17-44558798-G-A. GRCh37 (hg19) VCF-style: chr17-42636166-G-A.
Identifiers: ClinVar variation 4723625 (VCV004723625.1).

ClinVar aggregate classification (germline): Uncertain significance (1 of 4 stars; one submission).

gnomAD v4.1: 1 of 1,614,224 alleles (0.000062%); highest among the groups gnomAD compares: Non-Finnish European, 0.000085%; no homozygotes.

Submission:

Labcorp Genetics (formerly Invitae), Labcorp
Classification: Uncertain significance. Last evaluated: 2025-07-21. Review status: criteria provided, single submitter. Criteria: Invitae Variant Classification Sherloc (09022015). Collection method: clinical testing. Allele origin: germline.
Comment: This sequence change affects codon 370 of the FZD2 mRNA. It is a 'silent' change, meaning that it does not change the encoded amino acid sequence of the FZD2 protein. This variant is not present in population databases (gnomAD no frequency). This variant has not been reported in the literature in individuals affected with FZD2-related conditions. In summary, the available evidence is currently insufficient to determine the role of this variant in disease. Therefore, it has been classified as a Variant of Uncertain Significance.